The following is an entry in ClinVar:

ClinVar aggregate classification (germline): Benign (1 of 4 stars; one submission).

Allele frequency attached by ClinVar (database versions not stated): gnomAD 0.67019 and 0.67316; TOPMed 0.67336; 1000 Genomes Project 30x 0.67473; 1000 Genomes Project 0.67512.
gnomAD v4.1: 102,322 of 152,064 alleles (67%); highest among the groups gnomAD compares: South Asian, 77%; 34,544 homozygotes.

Submission:

GeneDx
Classification: Benign. Last evaluated: 2018-06-14. Review status: criteria provided, single submitter. Criteria: GeneDx Variant Classification (06012015). Collection method: clinical testing. Allele origin: germline. Affected: yes.
Comment: This variant is considered likely benign or benign based on one or more of the following criteria: it is a conservative change, it occurs at a poorly conserved position in the protein, it is predicted to be benign by multiple in silico algorithms, and/or has population frequency not consistent with disease.

NM_182476.3(COQ6):c.164-313G>A

Gene: COQ6 (coenzyme Q6, monooxygenase; plus strand). Cytogenetic location: 14q24.3.
Variant type: single nucleotide variant.
Coding change: c.164-313G>A on transcript NM_182476.3 (MANE Select); 313 bases into the intron before coding-DNA position 164, G replaced by A.
Molecular consequence: intron variant.
Genome position (GRCh38, 1-based): chr14:73,953,122, G>A. VCF-style: chr14-73953122-G-A. GRCh37 (hg19) VCF-style: chr14-74419825-G-A.
Other names: c.89-313G>A (NM_182480.3).
Identifiers: ClinVar variation 683565 (VCV000683565.1), dbSNP rs4903159, ClinGen allele CA15802540.
Genomic context (GRCh38, chr14:73,953,122, plus strand): 5'-AGTTGTAATTTTTAGTGACTTAATACTCTGGAGATTGAAAAGAACTGGTGTTTAAATACT[G>A]TAGTCTAACTTTTTTACTTCATTTTTCCTTTCTAGGGCATTCTGTTTGCTAGTTAGGTGT-3'